The following is an entry in ClinVar:

NM_004655.4(AXIN2):c.2188G>C (p.Val730Leu)

Gene: AXIN2 (axin 2; minus strand). Cytogenetic location: 17q24.1.
Variant type: single nucleotide variant.
Coding change: c.2188G>C on transcript NM_004655.4 (MANE Select); coding-DNA position 2188, G replaced by C.
Protein change: p.Val730Leu; replaces valine 730 with leucine.
Molecular consequence: missense variant.
Genome position (GRCh38, 1-based): chr17:65,535,675, C>G on the plus strand (G>C on the coding strand, the complement: AXIN2 is on the minus strand). VCF-style: chr17-65535675-C-G. GRCh37 (hg19) VCF-style: chr17-63531793-C-G.
Other names: c.1993G>C, p.Val665Leu (NM_001363813.1); short protein forms V730L, V665L.
Identifiers: ClinVar variation 2141744 (VCV002141744.6), dbSNP rs776003231, ClinGen allele CA8718380.

ClinVar aggregate classification (germline): Conflicting classifications of pathogenicity. Review status: criteria provided, conflicting classifications (1 of 4 stars). 2 submissions from 2 submitters: Uncertain significance (1); Likely benign (1). Last evaluated 2025-12-18.

Conditions:
Oligodontia-cancer predisposition syndrome. Also called: TOOTH AGENESIS-COLORECTAL CANCER SYNDROME. Identifiers: Orphanet 300576, MedGen C1837750, MONDO:0012075, OMIM 608615. Disease mechanism: loss of function.
Hereditary cancer-predisposing syndrome. Also called: Hereditary neoplastic syndrome; Neoplastic Syndromes, Hereditary; Tumor predisposition; Hereditary Cancer Syndrome. Identifiers: Orphanet 140162, MedGen C0027672, MeSH D009386, MONDO:0015356.

Allele frequency attached by ClinVar (database versions not stated): gnomAD exomes below 0.00001; ExAC 0.00001.

Submissions (2):

Ambry Genetics
Classification: Likely benign for Hereditary cancer-predisposing syndrome. Last evaluated: 2025-12-18. Review status: criteria provided, single submitter. Criteria: Ambry Variant Classification Scheme 2023. Collection method: clinical testing. Allele origin: germline.

Labcorp Genetics (formerly Invitae), Labcorp
Classification: Uncertain significance for Oligodontia-cancer predisposition syndrome. Last evaluated: 2022-02-28. Review status: criteria provided, single submitter. Criteria: Invitae Variant Classification Sherloc (09022015). Collection method: clinical testing. Allele origin: germline.
Comment: In summary, the available evidence is currently insufficient to determine the role of this variant in disease. Therefore, it has been classified as a Variant of Uncertain Significance. Algorithms developed to predict the effect of missense changes on protein structure and function (SIFT, PolyPhen-2, Align-GVGD) all suggest that this variant is likely to be tolerated. This variant has not been reported in the literature in individuals affected with AXIN2-related conditions. This variant is present in population databases (rs776003231, gnomAD 0.01%). This sequence change replaces valine, which is neutral and non-polar, with leucine, which is neutral and non-polar, at codon 730 of the AXIN2 protein (p.Val730Leu).